The following is an entry in ClinVar:

NM_001918.5(DBT):c.209C>A (p.Ser70Ter)

Gene: DBT (dihydrolipoamide branched chain transacylase E2; minus strand). Cytogenetic location: 1p21.2.
Variant type: single nucleotide variant.
Coding change: c.209C>A on transcript NM_001918.5 (MANE Select); coding-DNA position 209, C replaced by A.
Protein change: p.Ser70Ter; replaces serine 70 with a stop codon.
Molecular consequence: nonsense.
Genome position (GRCh38, 1-based): chr1:100,235,478, G>T on the plus strand (C>A on the coding strand, the complement: DBT is on the minus strand). VCF-style: chr1-100235478-G-T. GRCh37 (hg19) VCF-style: chr1-100701034-G-T.
Other names: short protein forms S70*.
Identifiers: ClinVar variation 983640 (VCV000983640.3), dbSNP rs398123664, ClinGen allele CA341345478.

ClinVar aggregate classification (germline): Likely pathogenic (1 of 4 stars; one submission).

Conditions:
Maple syrup urine disease (MSUD). Identifiers: Orphanet 511, MedGen C0024776, MeSH D008375, MONDO:0009563. Disease mechanism: loss of function.

Submission:

Myriad Genetics, Inc.
Classification: Likely pathogenic for Maple syrup urine disease type 1A. Last evaluated: 2019-03-31. Review status: criteria provided, single submitter. Criteria: Myriad Women's Health Autosomal Recessive and X-Linked Classification Criteria (2019). Collection method: clinical testing. Allele origin: unknown.
Comment: NM_001918.3(DBT):c.209C>A(S70*) is expected to be pathogenic in the context of maple syrup urine disease type II. This variant is predicted to lead to an abnormal or absent protein product due to the creation of a premature termination codon in DBT, a gene where loss-of-function variants are known to be pathogenic. Please note: this variant was assessed in the context of healthy population screening.